The following is an entry in ClinVar:

NM_001323289.2(CDKL5):c.64+1G>A

Gene: CDKL5 (cyclin dependent kinase like 5; plus strand). Cytogenetic location: Xp22.13.
Variant type: single nucleotide variant.
Coding change: c.64+1G>A on transcript NM_001323289.2 (MANE Select); the canonical splice donor site of the intron after coding-DNA position 64, G replaced by A.
Molecular consequence: splice donor variant.
Genome position (GRCh38, 1-based): chrX:18,507,161, G>A. VCF-style: chrX-18507161-G-A. GRCh37 (hg19) VCF-style: chrX-18525281-G-A.
Other names: NM_003159.3:c.64+1G>A; c.64+1G>A (NM_003159.3, NM_001037343.2).
Identifiers: ClinVar variation 3344010 (VCV003344010.1).

ClinVar aggregate classification (germline): Likely pathogenic (1 of 4 stars; one submission).

Conditions:
CDKL5 disorder. Identifiers: MedGen CN296942, MONDO:0100039.

Submission:

Centre for Population Genomics, CPG
Classification: Likely pathogenic for CDKL5 disorder. Last evaluated: 2024-09-24. Review status: criteria provided, single submitter. Criteria: McKnight et al. (Hum Mutat. 2022). Collection method: curation. Allele origin: germline. Inheritance: X-linked inheritance.
Comment: This variant has been collected from RettBASE and curated to current modified ACMG/AMP criteria. Based on the classification scheme defined by the ClinGen Rett/Angelman-like Expert Panel for Rett/AS-like Disorders Specifications to the ACMG/AMP Variant Interpretation Guidelines VCEP 3.0, this variant is classified as likely pathogenic. At least the following criteria are met: Predicted to result in loss of function, and LOF is a known mechanism of disease (PVS1). This variant is absent from gnomAD v4 (PM2_Supporting).